The following is an entry in ClinVar:

ClinVar aggregate classification (germline): Likely benign. Review status: criteria provided, multiple submitters, no conflicts (2 of 4 stars). 4 submissions from 4 submitters: Likely benign (3). 1 of the submissions does not count toward it. Last evaluated 2025-06-30.

Conditions:
Complement component 3 deficiency. Identifiers: Orphanet 280133, MedGen C3151071, MONDO:0013417, OMIM 613779.
Age related macular degeneration 9. Identifiers: MedGen C1969651, MONDO:0012659, OMIM 611378.
Atypical hemolytic-uremic syndrome with C3 anomaly. Also called: AHUS, SUSCEPTIBILITY TO, 5. Identifiers: Orphanet 2134, MedGen C2752037, MONDO:0013043, OMIM 612925.
Retinal dystrophy. Also called: Inherited retinal dystrophy. Identifiers: Orphanet 71862, MedGen C0854723, MeSH D058499, MONDO:0019118, HP:0000556.

Allele frequency attached by ClinVar (database versions not stated): ExAC 0.00004; TOPMed 0.00004; gnomAD 0.00006 and 0.00008; ESP Exome Variant Server 0.00015.
gnomAD v4.1: 55 of 1,611,394 alleles (0.0034%); highest among the groups gnomAD compares: Middle Eastern, 0.21%; 1 homozygote.

Submissions (4):

Women's Health and Genetics/Laboratory Corporation of America, LabCorp
Classification: Likely benign. Last evaluated: 2025-06-30. Review status: criteria provided, single submitter. Criteria: LabCorp Variant Classification Summary - May 2015. Collection method: clinical testing. Allele origin: germline.
Comment: Variant summary: C3 c.2441-7C>T alters a non-conserved nucleotide located at a position not widely known to affect splicing. Consensus agreement among computation tools predict no significant impact on normal splicing. However, these predictions have yet to be confirmed by functional studies. The variant allele was found at a frequency of 6.1e-05 in 247074 control chromosomes in the gnomAD database, including 1 homozygote. This frequency is not significantly higher than estimated for a pathogenic variant in C3 causing C3 Deficiency (6.1e-05 vs 0.0011), allowing no conclusion about variant significance. To our knowledge, no occurrence of c.2441-7C>T in individuals affected with C3 Deficiency and no experimental evidence demonstrating its impact on protein function have been reported. ClinVar contains an entry for this variant (Variation ID: 1628850). Based on the evidence outlined above, the variant was classified as likely benign.

Labcorp Genetics (formerly Invitae), Labcorp
Classification: Likely benign. Last evaluated: 2025-03-01. Review status: criteria provided, single submitter. Criteria: Invitae Variant Classification Sherloc (09022015). Collection method: clinical testing. Allele origin: germline.

Fulgent Genetics
Classification: Likely benign for Age related macular degeneration 9; Atypical hemolytic-uremic syndrome with C3 anomaly; Complement component 3 deficiency. Last evaluated: 2021-07-20. Review status: criteria provided, single submitter. Criteria: ACMG Guidelines, 2015. Collection method: clinical testing. Allele origin: unknown.

Institute of Human Genetics, Univ. Regensburg, Univ. Regensburg
Classification: Uncertain significance for Retinal dystrophy. Last evaluated: 2022-01-01. Review status: no assertion criteria provided. Criteria: ACMG Guidelines, 2015. Collection method: clinical testing. Allele origin: germline. Affected: yes. Not counted in ClinVar's aggregate classification.

NM_000064.4(C3):c.2441-7C>T

Gene: C3 (complement C3; minus strand). Cytogenetic location: 19p13.3.
Variant type: single nucleotide variant.
Coding change: c.2441-7C>T on transcript NM_000064.4 (MANE Select); 7 bases into the intron before coding-DNA position 2441, C replaced by T.
Molecular consequence: intron variant.
Genome position (GRCh38, 1-based): chr19:6,697,801, G>A on the plus strand (C>T on the coding strand, the complement: C3 is on the minus strand). VCF-style: chr19-6697801-G-A. GRCh37 (hg19) VCF-style: chr19-6697812-G-A.
Identifiers: ClinVar variation 1628850 (VCV001628850.11), dbSNP rs372528487, ClinGen allele CA9129061.